The following is an entry in ClinVar:

NM_000287.4(PEX6):c.2714G>T (p.Cys905Phe)

Gene: PEX6 (peroxisomal biogenesis factor 6; minus strand). Cytogenetic location: 6p21.1.
Variant type: single nucleotide variant.
Coding change: c.2714G>T on transcript NM_000287.4 (MANE Select); coding-DNA position 2714, G replaced by T.
Protein change: p.Cys905Phe; replaces cysteine 905 with phenylalanine.
Molecular consequence: missense variant. On other transcripts: non-coding transcript variant (1).
Genome position (GRCh38, 1-based): chr6:42,964,882, C>A on the plus strand (G>T on the coding strand, the complement: PEX6 is on the minus strand). VCF-style: chr6-42964882-C-A. GRCh37 (hg19) VCF-style: chr6-42932620-C-A.
Other names: c.2450G>T, p.Cys817Phe (NM_001316313.2); short protein forms C905F, C817F.
Identifiers: ClinVar variation 224322 (VCV000224322.3), dbSNP rs886037782, ClinGen allele CA10575896.
Genomic context (GRCh38, chr6:42,964,882, plus strand): 5'-GCAGCTGTCATAGCATCAGAGCAGAGAGAGTAGAGGTCCGCGCCCGTCAGCTGGGGAGGG[C>A]AGCAATCTAGCACGTTTACCAGGCTCACAGATGGCTCTAGCTTGAATCTGTTGTGGGATA-3'
Protein context (NP_000278.3, residues 895-915): SVSLVNVLDC[Cys905Phe]PPQLTGADLY

ClinVar aggregate classification (germline): Conflicting classifications of pathogenicity. Review status: criteria provided, conflicting classifications (1 of 4 stars). 2 submissions from 2 submitters: Pathogenic (1); Uncertain significance (1). Last evaluated 2024-10-18.

Conditions:
Heimler syndrome 2 (HMLR2). Also called: PEROXISOME BIOGENESIS DISORDER 4C. Identifiers: Orphanet 3220, MedGen C4225267, OMIM 616617, MONDO:0014709.

Allele frequency attached by ClinVar (database versions not stated): gnomAD exomes 0.00002.
gnomAD v4.1: 17 of 1,614,138 alleles (0.0011%); highest among the groups gnomAD compares: Non-Finnish European, 0.0014%; no homozygotes.

Submissions (2):

Women's Health and Genetics/Laboratory Corporation of America, LabCorp
Classification: Uncertain significance. Last evaluated: 2024-10-18. Review status: criteria provided, single submitter. Criteria: LabCorp Variant Classification Summary - May 2015. Collection method: clinical testing. Allele origin: germline.
Comment: Variant summary: PEX6 c.2714G>T (p.Cys905Phe) results in a non-conservative amino acid change in the encoded protein sequence. Five of five in-silico tools predict a damaging effect of the variant on protein function. The variant was absent in 251476 control chromosomes. The available data on variant occurrences in the general population are insufficient to allow any conclusion about variant significance. c.2714G>T has been reported in the presumed compound heterozygous state in the literature in at least 1 individual affected with clinical features of Zellweger Syndrome (example, Smith_2016). These data do not allow any conclusion about variant significance. To our knowledge, no experimental evidence demonstrating an impact on protein function has been reported. The following publication has been ascertained in the context of this evaluation (PMID: 27302843). ClinVar contains an entry for this variant (Variation ID: 224322). Based on the evidence outlined above, the variant was classified as uncertain significance.

Leeds Amelogenesis Imperfecta Research Group, University of Leeds
Classification: Pathogenic for Heimler syndrome 2. Last evaluated: 2015-10-01. Review status: criteria provided, single submitter. Criteria: Submitter's publication. Collection method: research. Allele origin: germline. Affected: yes.
Comment: Newly identified

Literature cited by the submitters: PubMed 27302843 (cited by Women's Health and Genetics/Laboratory Corporation of America, LabCorp).